The following is an entry in ClinVar:

ClinVar aggregate classification (germline): Uncertain significance. Review status: criteria provided, single submitter (1 of 4 stars). 2 submissions from 2 submitters: Uncertain significance (1). 1 of the submissions does not count toward it. Last evaluated 2026-07-11.

Conditions:
ADCY3-related disorder. Also called: ADCY3-related condition.

gnomAD v4.1: 12 of 1,614,174 alleles (0.00074%); highest among the groups gnomAD compares: Admixed American, 0.013%; no homozygotes.

Submissions (2):

GeneDx
Classification: Uncertain significance. Last evaluated: 2026-07-11. Review status: criteria provided, single submitter. Criteria: GeneDx Variant Classification Process June 2021. Collection method: clinical testing. Allele origin: germline.
Comment: Not observed at significant frequency in large population cohorts (gnomAD); Has not been previously published as pathogenic or benign to our knowledge; In silico analysis is inconclusive as to whether the variant alters gene splicing. In the absence of RNA/functional studies, the actual effect of this sequence change is unknown.

PreventionGenetics, part of Exact Sciences
Classification: Likely benign for ADCY3-related condition. Last evaluated: 2020-08-17. Review status: no assertion criteria provided. Collection method: clinical testing. Allele origin: germline. Not counted in ClinVar's aggregate classification.
Comment: This variant is classified as likely benign based on ACMG/AMP sequence variant interpretation guidelines (Richards et al. 2015 PMID: 25741868, with internal and published modifications).

NM_004036.5(ADCY3):c.2544C>T (p.Leu848=)

Gene: ADCY3 (adenylate cyclase 3; minus strand). Cytogenetic location: 2p23.3.
Variant type: single nucleotide variant.
Coding change: c.2544C>T on transcript NM_004036.5 (MANE Select); coding-DNA position 2544, C replaced by T.
Protein change: p.Leu848=; no amino-acid change (leucine 848 retained).
Molecular consequence: synonymous variant. On other transcripts: intron variant (1).
Genome position (GRCh38, 1-based): chr2:24,826,078, G>A on the plus strand (C>T on the coding strand, the complement: ADCY3 is on the minus strand). VCF-style: chr2-24826078-G-A. GRCh37 (hg19) VCF-style: chr2-25048947-G-A.
Other names: c.2547C>T, p.Leu849= (NM_001320613.2); c.2610C>T, p.Leu870= (NM_001377128.1); c.2406C>T, p.Leu802= (NM_001377129.1); c.1821C>T, p.Leu607= (NM_001377131.1); c.2544C>T, p.Leu848= (NM_001377132.1); c.2173-1542C>T (NM_001377130.1); c.2544C>T (NM_004036.4).
Identifiers: ClinVar variation 3358444 (VCV003358444.3).